The following is an entry in ClinVar:

NM_001103.4(ACTN2):c.128C>T (p.Thr43Ile)

Gene: ACTN2 (actinin alpha 2; plus strand). Cytogenetic location: 1q43.
Variant type: single nucleotide variant.
Coding change: c.128C>T on transcript NM_001103.4 (MANE Select); coding-DNA position 128, C replaced by T.
Protein change: p.Thr43Ile; replaces threonine 43 with isoleucine.
Molecular consequence: missense variant. On other transcripts: non-coding transcript variant (1).
Genome position (GRCh38, 1-based): chr1:236,717,859, C>T. VCF-style: chr1-236717859-C-T. GRCh37 (hg19) VCF-style: chr1-236881159-C-T.
Other names: c.128C>T, p.Thr43Ile (NM_001278343.2); short protein forms T43I.
Identifiers: ClinVar variation 4791479 (VCV004791479.1).
Genomic context (GRCh38, chr1:236,717,859, plus strand): 5'-GAGGAAGGGATCTGAAATCCGATGGACCTGTGCTAAACCGTGTTTGGTTTTCTTTGCAGA[C>T]CTTCACTGCCTGGTGTAACTCCCACCTAAGGAAAGCCGGCACCCAGATTGAGAACATCGA-3'
Protein context (NP_001094.1, residues 33-53): DPAWEKQQRK[Thr43Ile]FTAWCNSHLR

ClinVar aggregate classification (germline): Uncertain significance (1 of 4 stars; one submission).

Conditions:
Dilated cardiomyopathy 1AA (CMD1AA). Also called: CARDIOMYOPATHY, DILATED, 1AA, WITH OR WITHOUT LEFT VENTRICULAR NONCOMPACTION; CARDIOMYOPATHY, FAMILIAL HYPERTROPHIC, 23, WITH OR WITHOUT LEFT VENTRICULAR NONCOMPACTION; Cardiomyopathy, dilated, 1AA, with or without LVNC. Identifiers: Orphanet 154, MedGen C2677338, MONDO:0012808, OMIM 612158.
Primary familial hypertrophic cardiomyopathy (HCM). Identifiers: Orphanet 99739, MedGen C0949658, MeSH D024741, MONDO:0024573. Inheritance: Various modes of inheritance.

Submission:

Labcorp Genetics (formerly Invitae), Labcorp
Classification: Uncertain significance for Primary familial hypertrophic cardiomyopathy; Dilated cardiomyopathy 1AA. Last evaluated: 2025-05-22. Review status: criteria provided, single submitter. Criteria: Invitae Variant Classification Sherloc (09022015). Collection method: clinical testing. Allele origin: germline.
Comment: This sequence change replaces threonine, which is neutral and polar, with isoleucine, which is neutral and non-polar, at codon 43 of the ACTN2 protein (p.Thr43Ile). This variant is not present in population databases (gnomAD no frequency). This variant has not been reported in the literature in individuals affected with ACTN2-related conditions. An algorithm developed to predict the effect of missense changes on protein structure and function (PolyPhen-2) suggests that this variant is likely to be disruptive. In summary, the available evidence is currently insufficient to determine the role of this variant in disease. Therefore, it has been classified as a Variant of Uncertain Significance.